The following is an entry in ClinVar:

NM_000548.5(TSC2):c.599+5_599+6del

Gene: TSC2 (TSC complex subunit 2; plus strand). Cytogenetic location: 16p13.3.
Variant type: Deletion.
Coding change: c.599+5_599+6del on transcript NM_000548.5 (MANE Select); bases 5 to 6 of the intron after coding-DNA position 599, 2 bases deleted (GA; older notation c.599+5_599+6delGA).
Molecular consequence: intron variant.
Genome position (GRCh38, 1-based): chr16:2,055,524-2,055,525, GA deleted; deleting any 2 consecutive bases within chr16:2,055,523-2,055,525 gives the same sequence; the c. name uses the placement nearest the transcript's 3' end. VCF-style (leftmost placement, unchanged base first): chr16-2055522-AAG-A. GRCh37 (hg19) VCF-style: chr16-2105523-AAG-A.
Other names: c.-1049+5_-1049+6del (NM_001406693.1); c.689+5_689+6del (NM_001406667.1, NM_001406668.1); c.-218+5_-218+6del (NM_001406680.1, NM_001406683.1, NM_001406687.1); c.-833+5_-833+6del (NM_001406689.1, NM_001406690.1, NM_001406692.1 and 2 more transcripts); c.-1009+5_-1009+6del (NM_001406698.1); c.599+5_599+6del (NM_001114382.3, NM_001406663.1, NM_001406664.1 and 8 more transcripts); c.-714+5_-714+6del (NM_001406694.1, NM_001406695.1); c.-821+5_-821+6del (NM_001406696.1); and 6 more.
Identifiers: ClinVar variation 4071413 (VCV004071413.1).

ClinVar aggregate classification (germline): Likely pathogenic (1 of 4 stars; one submission).

Conditions:
Tuberous sclerosis 2 (TSC2). Identifiers: Orphanet 805, MedGen C1860707, MONDO:0013199, OMIM 613254.

Submission:

Myriad Genetics, Inc.
Classification: Likely pathogenic for Tuberous sclerosis 2. Last evaluated: 2025-06-30. Review status: criteria provided, single submitter. Criteria: Myriad Autosomal Dominant, Autosomal Recessive and X-Linked Classification Criteria (2023). Collection method: clinical testing. Allele origin: unknown.
Comment: This variant is considered likely pathogenic. This variant has been reported in multiple individuals with clinical features of gene-specific disease [PMID: 35596872, 29432982]. Functional studies indicate this variant impacts protein function [PMID: 35596872].

Literature cited by the submitters: PubMed 35596872; PubMed 29432982.